The following is an entry in ClinVar:

ClinVar aggregate classification (germline): Uncertain significance (1 of 4 stars; one submission).

Conditions:
Dyskeratosis congenita, autosomal dominant 2. Identifiers: MedGen C3151443, MONDO:0013521, OMIM 613989.
Idiopathic Pulmonary Fibrosis. Also called: Idiopathic fibrosing alveolitis, chronic form; idiopathic fibrosing alveolitis. Identifiers: Orphanet 2032, MedGen C1800706, MeSH D054990, MONDO:0800504.

Submission:

Labcorp Genetics (formerly Invitae), Labcorp
Classification: Uncertain significance for Dyskeratosis congenita, autosomal dominant 2; Idiopathic Pulmonary Fibrosis. Last evaluated: 2017-11-28. Review status: criteria provided, single submitter. Criteria: Invitae Variant Classification Sherloc (09022015). Collection method: clinical testing. Allele origin: germline.
Comment: This sequence change replaces phenylalanine with valine at codon 101 of the TERT protein (p.Phe101Val). The phenylalanine residue is weakly conserved and there is a small physicochemical difference between phenylalanine and valine. In summary, the available evidence is currently insufficient to determine the role of this variant in disease. Therefore, it has been classified as a Variant of Uncertain Significance. Algorithms developed to predict the effect of missense changes on protein structure and function do not agree on the potential impact of this missense change (SIFT: "Deleterious"; PolyPhen-2: "Probably Damaging"; Align-GVGD: "Class C0"). This variant has not been reported in the literature in individuals with TERT-related disease. This variant is not present in population databases (ExAC no frequency).

NM_198253.3(TERT):c.301T>G (p.Phe101Val)

Gene: TERT (telomerase reverse transcriptase; minus strand). Cytogenetic location: 5p15.33.
Variant type: single nucleotide variant.
Coding change: c.301T>G on transcript NM_198253.3 (MANE Select); coding-DNA position 301, T replaced by G.
Protein change: p.Phe101Val; replaces phenylalanine 101 with valine.
Molecular consequence: missense variant. On other transcripts: non-coding transcript variant (2).
Genome position (GRCh38, 1-based): chr5:1,294,585, A>C on the plus strand (T>G on the coding strand, the complement: TERT is on the minus strand). VCF-style: chr5-1294585-A-C. GRCh37 (hg19) VCF-style: chr5-1294700-A-C.
Other names: c.301T>G, p.Phe101Val (NM_001193376.3); short protein forms F101V.
Identifiers: ClinVar variation 539197 (VCV000539197.9), dbSNP rs1554043101, ClinGen allele CA359058425.